The following is an entry in ClinVar:

NM_000051.4(ATM):c.8584+1G>A

Genes: ATM (ATM serine/threonine kinase; plus strand), C11orf65 (chromosome 11 open reading frame 65; minus strand). Cytogenetic location: 11q22.3.
Variant type: single nucleotide variant.
Coding change: c.8584+1G>A on transcript NM_000051.4 (MANE Select); the canonical splice donor site of the intron after coding-DNA position 8584, G replaced by A.
Molecular consequence: splice donor variant. On other transcripts: intron variant (2).
Genome position (GRCh38, 1-based): chr11:108,345,909, G>A. VCF-style: chr11-108345909-G-A. GRCh37 (hg19) VCF-style: chr11-108216636-G-A.
Other names: c.8584+1G>A (NM_001351834.2); c.641-36838C>T (NM_001330368.2); c.695-10617C>T (NM_001351110.2).
Identifiers: ClinVar variation 229768 (VCV000229768.16), dbSNP rs876658182, ClinGen allele CA10579306.

ClinVar aggregate classification (germline): Pathogenic/Likely pathogenic. Review status: criteria provided, multiple submitters, no conflicts (2 of 4 stars). 3 submissions from 3 submitters: Pathogenic (1); Likely pathogenic (2). Last evaluated 2026-07-08.

Conditions:
Hereditary cancer-predisposing syndrome. Also called: Neoplastic Syndromes, Hereditary; Hereditary neoplastic syndrome; Tumor predisposition; Hereditary Cancer Syndrome. Identifiers: Orphanet 140162, MedGen C0027672, MeSH D009386, MONDO:0015356.
Ataxia-telangiectasia syndrome (AT). Also called: Ataxia telangiectasia (A-T); Cerebello-oculocutaneous telangiectasia; Immunodeficiency with ataxia telangiectasia; LOUIS-BAR SYNDROME; AT, COMPLEMENTATION GROUP C; ATAXIA-TELANGIECTASIA, FRESNO VARIANT. Identifiers: Orphanet 100, MedGen C0004135, MONDO:0008840, OMIM 208900.

Submissions (3):

Ambry Genetics
Classification: Likely pathogenic for Hereditary cancer-predisposing syndrome. Last evaluated: 2026-07-08. Review status: criteria provided, single submitter. Criteria: Ambry Variant Classification Scheme 2023. Collection method: clinical testing. Allele origin: germline.
Comment: The c.8584+1G>A intronic variant results from a G to A substitution one nucleotide after coding exon 57 of the ATM gene. This nucleotide position is highly conserved in available vertebrate species. In silico splice site analysis predicts that this alteration will weaken the native splice donor site and may result in the creation or strengthening of a novel splice donor site; however, direct evidence is insufficient at this time (Ambry internal data). This variant is considered to be rare based on population cohorts in the Genome Aggregation Database (gnomAD). Alterations that disrupt the canonical splice site are expected to cause aberrant splicing, resulting in an abnormal protein or a transcript that is subject to nonsense-mediated mRNA decay. As such, this alteration is classified as likely pathogenic.

Center for Genomic Medicine, Rigshospitalet, Copenhagen University Hospital
Classification: Likely pathogenic. Last evaluated: 2025-12-29. Review status: criteria provided, single submitter. Criteria: ACMG Guidelines, 2015. Collection method: clinical testing. Allele origin: germline.
Comment: Classification criteria: PVS1, PM2_supporting

Labcorp Genetics (formerly Invitae), Labcorp
Classification: Pathogenic for Ataxia-telangiectasia syndrome. Last evaluated: 2025-05-17. Review status: criteria provided, single submitter. Criteria: Invitae Variant Classification Sherloc (09022015). Collection method: clinical testing. Allele origin: germline.
Comment: This sequence change affects a donor splice site in intron 58 of the ATM gene. RNA analysis indicates that disruption of this splice site induces altered splicing and may result in an absent or altered protein product. This variant is not present in population databases (gnomAD no frequency). Disruption of this splice site has been observed in individual(s) with breast cancer and/or clinical features of ataxia-telangiectasia (PMID: 28170084, 29665859; internal data). In at least one individual the data is consistent with being in trans (on the opposite chromosome) from a pathogenic variant. ClinVar contains an entry for this variant (Variation ID: 229768). Studies have shown that disruption of this splice site results in activation of a cryptic splice site, and produces a non-functional protein and/or introduces a premature termination codon (PMID: 28170084; internal data). For these reasons, this variant has been classified as Pathogenic.

Literature cited by the submitters: PubMed 30303537 (cited by Center for Genomic Medicine, Rigshospitalet, Copenhagen University Hospital); PubMed 28170084 (cited by Labcorp Genetics (formerly Invitae), Labcorp); PubMed 29665859 (cited by Labcorp Genetics (formerly Invitae), Labcorp).